The following is an entry in ClinVar:

ClinVar aggregate classification (germline): Likely benign (1 of 4 stars; one submission).

Submission:

GeneDx
Classification: Likely benign. Last evaluated: 2017-01-19. Review status: criteria provided, single submitter. Criteria: GeneDx Variant Classification (06012015). Collection method: clinical testing. Allele origin: germline. Affected: yes.
Comment: This variant is considered likely benign or benign based on one or more of the following criteria: it is a conservative change, it occurs at a poorly conserved position in the protein, it is predicted to be benign by multiple in silico algorithms, and/or has population frequency not consistent with disease.

NM_004519.4(KCNQ3):c.1032T>C (p.Phe344=)

Gene: KCNQ3 (potassium voltage-gated channel subfamily Q member 3; minus strand). Cytogenetic location: 8q24.22.
Variant type: single nucleotide variant.
Coding change: c.1032T>C on transcript NM_004519.4 (MANE Select); coding-DNA position 1032, T replaced by C.
Protein change: p.Phe344=; no amino-acid change (phenylalanine 344 retained).
Molecular consequence: synonymous variant.
Genome position (GRCh38, 1-based): chr8:132,174,251, A>G on the plus strand (T>C on the coding strand, the complement: KCNQ3 is on the minus strand). VCF-style: chr8-132174251-A-G. GRCh37 (hg19) VCF-style: chr8-133186498-A-G.
Other names: c.672T>C, p.Phe224= (NM_001204824.2).
Identifiers: ClinVar variation 516135 (VCV000516135.1), dbSNP rs1554627208, ClinGen allele CA463070261.